The following is an entry in ClinVar:

ClinVar aggregate classification (germline): Uncertain significance (1 of 4 stars; one submission).

Allele frequency attached by ClinVar (database versions not stated): TOPMed 0.00001.
gnomAD v4.1: 3 of 1,612,254 alleles (0.00019%); highest among the groups gnomAD compares: African/African-American, 0.004%; no homozygotes.

Submission:

Labcorp Genetics (formerly Invitae), Labcorp
Classification: Uncertain significance. Last evaluated: 2025-01-15. Review status: criteria provided, single submitter. Criteria: Invitae Variant Classification Sherloc (09022015). Collection method: clinical testing. Allele origin: germline.
Comment: This sequence change replaces methionine, which is neutral and non-polar, with isoleucine, which is neutral and non-polar, at codon 275 of the USH1G protein (p.Met275Ile). This variant is not present in population databases (gnomAD no frequency). This variant has not been reported in the literature in individuals affected with USH1G-related conditions. ClinVar contains an entry for this variant (Variation ID: 1007234). Invitae Evidence Modeling of protein sequence and biophysical properties (such as structural, functional, and spatial information, amino acid conservation, physicochemical variation, residue mobility, and thermodynamic stability) indicates that this missense variant is not expected to disrupt USH1G protein function with a negative predictive value of 80%. In summary, the available evidence is currently insufficient to determine the role of this variant in disease. Therefore, it has been classified as a Variant of Uncertain Significance.

NM_173477.5(USH1G):c.825G>T (p.Met275Ile)

Gene: USH1G (USH1 protein network component sans; minus strand). Cytogenetic location: 17q25.1.
Variant type: single nucleotide variant.
Coding change: c.825G>T on transcript NM_173477.5 (MANE Select); coding-DNA position 825, G replaced by T.
Protein change: p.Met275Ile; replaces methionine 275 with isoleucine.
Molecular consequence: missense variant.
Genome position (GRCh38, 1-based): chr17:74,920,011, C>A on the plus strand (G>T on the coding strand, the complement: USH1G is on the minus strand). VCF-style: chr17-74920011-C-A. GRCh37 (hg19) VCF-style: chr17-72916106-C-A.
Other names: c.516G>T, p.Met172Ile (NM_001282489.3); short protein forms M172I, M275I.
Identifiers: ClinVar variation 1007234 (VCV001007234.7), dbSNP rs2038917660, ClinGen allele CA400963076.
Genomic context (GRCh38, chr17:74,920,011, plus strand): 5'-CGAGTGGGCAGGCTCGGCCGCCAGCGTGGCACGGGAGACGCTGTCCTCGTCCGAGAGGAA[C>A]ATGTCCCGGAGCGGGGCTCGGCCCCACTCCTTGGGATTGGCGTAGGTGCCCTGGCGCACG-3'
Protein context (NP_775748.2, residues 265-285): KEWGRAPLRD[Met275Ile]FLSDEDSVSR